The following is an entry in ClinVar:

NM_001035.3(RYR2):c.14777T>C (p.Ile4926Thr)

Gene: RYR2 (ryanodine receptor 2; plus strand). Cytogenetic location: 1q43.
Variant type: single nucleotide variant.
Coding change: c.14777T>C on transcript NM_001035.3 (MANE Select); coding-DNA position 14777, T replaced by C.
Protein change: p.Ile4926Thr; replaces isoleucine 4926 with threonine.
Molecular consequence: missense variant.
Genome position (GRCh38, 1-based): chr1:237,831,534, T>C. VCF-style: chr1-237831534-T-C. GRCh37 (hg19) VCF-style: chr1-237994834-T-C.
Other names: short protein forms I4926T.
Identifiers: ClinVar variation 869441 (VCV000869441.6), dbSNP rs1663793007, ClinGen allele CA345409920.

ClinVar aggregate classification (germline): Conflicting classifications of pathogenicity. Review status: criteria provided, conflicting classifications (1 of 4 stars). 3 submissions from 3 submitters: Pathogenic (1); Likely pathogenic (1); Uncertain significance (1). Last evaluated 2024-10-18.

Conditions:
Cardiovascular phenotype. Identifiers: MedGen CN230736.
Catecholaminergic polymorphic ventricular tachycardia 1. Also called: VENTRICULAR TACHYCARDIA, CATECHOLAMINERGIC POLYMORPHIC, 1, WITH OR WITHOUT ATRIAL DYSFUNCTION AND/OR DILATED CARDIOMYOPATHY; RYR2-Related Catecholaminergic Polymorphic Ventricular Tachycardia; VENTRICULAR TACHYCARDIA, STRESS-INDUCED POLYMORPHIC 1. Identifiers: Orphanet 3286, MedGen C1631597, MONDO:0011484, OMIM 604772.

Submissions (3):

Labcorp Genetics (formerly Invitae), Labcorp
Classification: Pathogenic for Catecholaminergic polymorphic ventricular tachycardia 1. Last evaluated: 2024-10-18. Review status: criteria provided, single submitter. Criteria: Invitae Variant Classification Sherloc (09022015). Collection method: clinical testing. Allele origin: germline.
Comment: This sequence change replaces isoleucine, which is neutral and non-polar, with threonine, which is neutral and polar, at codon 4926 of the RYR2 protein (p.Ile4926Thr). This variant is not present in population databases (gnomAD no frequency). This missense change has been observed in individual(s) with clinical features of autosomal dominant RYR2-related conditions (PMID: 32152366, 35135837; internal data). In at least one individual the variant was observed to be de novo. ClinVar contains an entry for this variant (Variation ID: 869441). Invitae Evidence Modeling of protein sequence and biophysical properties (such as structural, functional, and spatial information, amino acid conservation, physicochemical variation, residue mobility, and thermodynamic stability) indicates that this missense variant is expected to disrupt RYR2 protein function with a positive predictive value of 95%. For these reasons, this variant has been classified as Pathogenic.

MVZ Martinsried, Medicover Genetics
Classification: Likely pathogenic for Catecholaminergic polymorphic ventricular tachycardia 1. Last evaluated: 2019-10-20. Review status: criteria provided, single submitter. Criteria: ACMG Guidelines, 2015. Collection method: clinical testing. Allele origin: unknown. Affected: yes.

Ambry Genetics
Classification: Uncertain significance for Cardiovascular phenotype. Last evaluated: 2017-04-18. Review status: criteria provided, single submitter. Criteria: Ambry Variant Classification Scheme 2023. Collection method: clinical testing. Allele origin: germline.
Comment: The p.I4926T variant (also known as c.14777T>C), located in coding exon 104 of the RYR2 gene, results from a T to C substitution at nucleotide position 14777. The isoleucine at codon 4926 is replaced by threonine, an amino acid with similar properties. This amino acid position is highly conserved in available vertebrate species. In addition, this alteration is predicted to be deleterious by in silico analysis. Since supporting evidence is limited at this time, the clinical significance of this alteration remains unclear.

Literature cited by the submitters: PubMed 32152366 (cited by Labcorp Genetics (formerly Invitae), Labcorp); PubMed 35135837 (cited by Labcorp Genetics (formerly Invitae), Labcorp).